The following is an entry in ClinVar:

ClinVar aggregate classification (germline): Pathogenic (1 of 4 stars; one submission).

Submission:

GeneDx
Classification: Pathogenic. Last evaluated: 2017-08-18. Review status: criteria provided, single submitter. Criteria: GeneDx Variant Classification (06012015). Collection method: clinical testing. Allele origin: germline. Affected: yes.
Comment: The c.760_761delAC variant in the ZEB2 gene has not been reported previously as a pathogenic variant nor as a benign variant, to our knowledge. The c.760_761delAC variant causes a frameshift starting with codon Threonine 254, changes this amino acid to a Proline residue, and creates a premature Stop codon at position 25 of the new reading frame, denoted p.Thr254ProfsX25. This variant is predicted to cause loss of normal protein function either through protein truncation or nonsense-mediated mRNA decay. The c.760_761delAC variant is not observed in large population cohorts (Lek et al., 2016; 1000 Genomes Consortium et al., 2015; Exome Variant Server). We interpret c.760_761delAC as a pathogenic variant.

NM_014795.4(ZEB2):c.760_761del (p.Thr254fs)

Gene: ZEB2 (zinc finger E-box binding homeobox 2; minus strand). Cytogenetic location: 2q22.3.
Variant type: Deletion.
Coding change: c.760_761del on transcript NM_014795.4 (MANE Select); coding-DNA positions 760 to 761, 2 bases deleted (AC; older notation c.760_761delAC).
Protein change: p.Thr254fs; shifts the reading frame from threonine 254.
Molecular consequence: frameshift variant.
Genome position (GRCh38, 1-based): chr2:144,403,962-144,403,963, GT deleted on the plus strand (AC on the coding strand, the reverse complement: ZEB2 is on the minus strand); deleting any 2 consecutive bases within chr2:144,403,962-144,403,964 gives the same sequence; the c. name uses the placement nearest the transcript's 3' end. VCF-style (leftmost placement, unchanged base first): chr2-144403961-GGT-G. GRCh37 (hg19) VCF-style: chr2-145161528-GGT-G.
Other names: c.688_689del, p.Thr230fs (NM_001171653.2); short protein forms T254fs, T230fs.
Identifiers: ClinVar variation 451579 (VCV000451579.2), dbSNP rs587776605, ClinGen allele CA658657064.
Genomic context (GRCh38, chr2:144,403,961, plus strand): 5'-AAACCATCCCCCCACCTGATCTGTCCCTGGCTTGTGTGTCACCATATGCCGCTCGAGCTG[GGT>G]GCGGTAGGCAAACGTGTAGCTACAGAGAGGGCAGGAAAAGTTCTCTTCATTCTTCTCGTG-3'